The following is an entry in ClinVar:

NM_020207.7(ERCC6L2):c.3174G>C (p.Gln1058His)

Gene: ERCC6L2 (ERCC excision repair 6 like 2; plus strand). Cytogenetic location: 9q22.32.
Variant type: single nucleotide variant.
Coding change: c.3174G>C on transcript NM_020207.7 (MANE Select); coding-DNA position 3174, G replaced by C.
Protein change: p.Gln1058His; replaces glutamine 1058 with histidine.
Molecular consequence: missense variant. On other transcripts: non-coding transcript variant (1).
Genome position (GRCh38, 1-based): chr9:95,972,925, G>C. VCF-style: chr9-95972925-G-C. GRCh37 (hg19) VCF-style: chr9-98735207-G-C.
Other names: c.3174G>C, p.Gln1058His (NM_001375291.1, NM_001375292.1, NM_001375293.1 and 1 more transcripts); short protein forms Q1058H.
Identifiers: ClinVar variation 1718529 (VCV001718529.5), dbSNP rs1249866068, ClinGen allele CA589285472.

ClinVar aggregate classification (germline): Uncertain significance (1 of 4 stars; one submission).

Allele frequency attached by ClinVar (database versions not stated): gnomAD exomes 0.00001.
gnomAD v4.1: 8 of 1,306,758 alleles (0.00061%); highest among the groups gnomAD compares: South Asian, 0.0099%; no homozygotes.

Submission:

Labcorp Genetics (formerly Invitae), Labcorp
Classification: Uncertain significance. Last evaluated: 2022-10-07. Review status: criteria provided, single submitter. Criteria: Invitae Variant Classification Sherloc (09022015). Collection method: clinical testing. Allele origin: germline.
Comment: In summary, the available evidence is currently insufficient to determine the role of this variant in disease. Therefore, it has been classified as a Variant of Uncertain Significance. Algorithms developed to predict the effect of missense changes on protein structure and function are either unavailable or do not agree on the potential impact of this missense change (SIFT: "Tolerated"; PolyPhen-2: "Not Available"; Align-GVGD: "Class C0"). This variant has not been reported in the literature in individuals affected with ERCC6L2-related conditions. This variant is present in population databases (no rsID available, gnomAD 0.01%). This sequence change replaces glutamine, which is neutral and polar, with histidine, which is basic and polar, at codon 1069 of the ERCC6L2 protein (p.Gln1069His).